The following is an entry in ClinVar:

ClinVar aggregate classification (germline): Uncertain significance (1 of 4 stars; one submission).

Submission:

Dasa
Classification: Uncertain significance. Last evaluated: 2025-08-19. Review status: criteria provided, single submitter. Criteria: DASA Assertion Criteria. Collection method: clinical testing. Allele origin: germline.
Comment: NM_020738.4(KIDINS220):c.1717C>T (p.Leu573Phe) is a missense variant that results in the substitution of leucine with phenylalanine. This variant is absent from population databases. Computational prediction algorithms are consistent with a deleterious effect. The currently available literature and clinical evidence are not sufficient to establish a definitive association between this variant and the reported condition. Therefore, this variant is classified as a variant of uncertain significance.

NM_020738.4(KIDINS220):c.1717C>T (p.Leu573Phe)

Gene: KIDINS220 (kinase D interacting substrate 220; minus strand). Cytogenetic location: 2p25.1.
Variant type: single nucleotide variant.
Coding change: c.1717C>T on transcript NM_020738.4 (MANE Select); coding-DNA position 1717, C replaced by T.
Protein change: p.Leu573Phe; replaces leucine 573 with phenylalanine.
Molecular consequence: missense variant. On other transcripts: non-coding transcript variant (2).
Genome position (GRCh38, 1-based): chr2:8,788,717, G>A on the plus strand (C>T on the coding strand, the complement: KIDINS220 is on the minus strand). VCF-style: chr2-8788717-G-A. GRCh37 (hg19) VCF-style: chr2-8928847-G-A.
Other names: c.1720C>T, p.Leu574Phe (NM_001348729.2, NM_001348731.2, NM_001348734.2 and 3 more transcripts); c.1717C>T, p.Leu573Phe (NM_001348732.2, NM_001348735.2, NM_001348738.2 and 3 more transcripts); c.1591C>T, p.Leu531Phe (NM_001348736.2); short protein forms L531F, L573F, L574F.
Identifiers: ClinVar variation 4882031 (VCV004882031.2).